The following is an entry in ClinVar:

ClinVar aggregate classification (germline): Uncertain significance (1 of 4 stars; one submission).

Allele frequency attached by ClinVar (database versions not stated): TOPMed 0.00009; ESP Exome Variant Server 0.00015; 1000 Genomes Project 30x 0.00016; 1000 Genomes Project 0.00020; ExAC 0.00020; gnomAD 0.00033.
gnomAD v4.1: 271 of 1,614,080 alleles (0.017%); highest among the groups gnomAD compares: African/African-American, 0.012%; no homozygotes.

Submission:

Labcorp Genetics (formerly Invitae), Labcorp
Classification: Uncertain significance. Last evaluated: 2024-10-28. Review status: criteria provided, single submitter. Criteria: Invitae Variant Classification Sherloc (09022015). Collection method: clinical testing. Allele origin: germline.
Comment: This sequence change replaces threonine, which is neutral and polar, with methionine, which is neutral and non-polar, at codon 644 of the AGAP1 protein (p.Thr644Met). This variant is present in population databases (rs144609943, gnomAD 0.2%), and has an allele count higher than expected for a pathogenic variant. This variant has not been reported in the literature in individuals affected with AGAP1-related conditions. ClinVar contains an entry for this variant (Variation ID: 2167586). An algorithm developed to predict the effect of missense changes on protein structure and function outputs the following: PolyPhen-2: "Benign". The methionine amino acid residue is found in multiple mammalian species, which suggests that this missense change does not adversely affect protein function. In summary, the available evidence is currently insufficient to determine the role of this variant in disease. Therefore, it has been classified as a Variant of Uncertain Significance.

NM_001037131.3(AGAP1):c.2090C>T (p.Thr697Met)

Gene: AGAP1 (ArfGAP with GTPase domain, ankyrin repeat and PH domain 1; plus strand). Cytogenetic location: 2q37.2.
Variant type: single nucleotide variant.
Coding change: c.2090C>T on transcript NM_001037131.3 (MANE Select); coding-DNA position 2090, C replaced by T.
Protein change: p.Thr697Met; replaces threonine 697 with methionine.
Molecular consequence: missense variant.
Genome position (GRCh38, 1-based): chr2:236,049,257, C>T. VCF-style: chr2-236049257-C-T. GRCh37 (hg19) VCF-style: chr2-236957901-C-T.
Other names: c.1931C>T, p.Thr644Met (NM_014914.5); short protein forms T644M, T697M.
Identifiers: ClinVar variation 2167586 (VCV002167586.4), dbSNP rs144609943, ClinGen allele CA2185130.